The following is an entry in ClinVar:

ClinVar aggregate classification (germline): Pathogenic. Review status: criteria provided, single submitter (1 of 4 stars). 2 submissions from 2 submitters: Pathogenic (1). 1 of the submissions does not count toward it. Last evaluated 2025-01-02.

Conditions:
Familial thoracic aortic aneurysm and aortic dissection (TAAD). Also called: Thoracic aortic aneurysms and dissections. Identifiers: Orphanet 91387, MedGen C4707243, MONDO:0019625.
Ehlers-Danlos syndrome, type 4 (EDSVASC). Also called: Ehlers-Danlos syndrome vascular type; Ehlers Danlos syndrome, ecchymotic type; Ehlers Danlos syndrome, arterial type; Ehlers Danlos syndrome, Sack-Barabas type; Ehlers-Danlos Syndrome Type IV. Identifiers: Orphanet 286, MedGen C0268338, MONDO:0017314, OMIM 130050.

Submissions (2):

Ambry Genetics
Classification: Pathogenic for Familial thoracic aortic aneurysm and aortic dissection. Last evaluated: 2025-01-02. Review status: criteria provided, single submitter. Criteria: Ambry Variant Classification Scheme 2023. Collection method: clinical testing. Allele origin: germline.
Comment: The c.3575_3576insAGGG pathogenic mutation, located in coding exon 48 of the COL3A1 gene, results from an insertion of 4 nucleotides at position 3575, causing a translational frameshift with a predicted alternate stop codon (p.P1193Gfs*20). This variant was reported in individual(s) with features consistent with vascular Ehlers-Danlos syndrome (Leistritz DF et al. Genet Med, 2011 Aug;13:717-22). This variant is considered to be rare based on population cohorts in the Genome Aggregation Database (gnomAD). This alteration is expected to result in loss of function by premature protein truncation or nonsense-mediated mRNA decay. As such, this alteration is interpreted as a disease-causing mutation.

Collagen Diagnostic Laboratory, University of Washington
Classification: Pathogenic for Ehlers-Danlos syndrome, type 4. Review status: no assertion criteria provided. Collection method: clinical testing. Allele origin: germline. Affected: yes. Not counted in ClinVar's aggregate classification.

Literature cited by the submitters: PubMed 21637106 (cited by Ambry Genetics and Collagen Diagnostic Laboratory, University of Washington).

NM_000090.4(COL3A1):c.3575_3576insAGGG (p.Pro1193fs)

Gene: COL3A1 (collagen type III alpha 1 chain; plus strand). Cytogenetic location: 2q32.2.
Variant type: Insertion.
Coding change: c.3575_3576insAGGG on transcript NM_000090.4 (MANE Select); coding-DNA positions 3575 to 3576, AGGG inserted.
Protein change: p.Pro1193fs; shifts the reading frame from proline 1193.
Molecular consequence: frameshift variant.
Genome position: GRCh38 VCF-style: chr2-189008973-C-CAGGG. GRCh37 (hg19) VCF-style: chr2-189873699-C-CAGGG.
Other names: NP_000081.1:p.Pro1193Glyfs*20; short protein forms P1193fs.
Identifiers: ClinVar variation 101481 (VCV000101481.3), dbSNP rs587779712, ClinGen allele CA006688.
Genomic context (GRCh38, chr2:189,008,973, plus strand): 5'-ACTCATTCTAGGGCTCCCCAGGCCACCCAGGGCAACCAGGCCCTCCTGGACCTCCTGGTG[C>CAGGG]CCCTGGTCCTTGCTGTGGTGGTGTTGGAGCCGCTGCCATTGCTGGGATTGGAGGTGAAAA-3'